The following is an entry in ClinVar:

ClinVar aggregate classification (germline): Pathogenic (1 of 4 stars; one submission).

Conditions:
Neurofibromatosis, type 1 (NF1). Also called: Neurofibromatosis, type I; VON RECKLINGHAUSEN DISEASE; Peripheral type neurofibromatosis; NEUROFIBROMATOSIS, TYPE I, SOMATIC. Identifiers: Orphanet 636, MedGen C0027831, MONDO:0018975, OMIM 162200. Disease mechanism: loss of function.

Submission:

Labcorp Genetics (formerly Invitae), Labcorp
Classification: Pathogenic for Neurofibromatosis, type 1. Last evaluated: 2019-12-27. Review status: criteria provided, single submitter. Criteria: Invitae Variant Classification Sherloc (09022015). Collection method: clinical testing. Allele origin: germline.
Comment: For these reasons, this variant has been classified as Pathogenic. Loss-of-function variants in NF1 are known to be pathogenic (PMID: 10712197, 23913538). This variant has not been reported in the literature in individuals with NF1-related conditions. This variant is not present in population databases (ExAC no frequency). This sequence change creates a premature translational stop signal (p.Leu2277Profs*9) in the NF1 gene. It is expected to result in an absent or disrupted protein product.

Literature cited by the submitters: PubMed 10712197; PubMed 23913538.

NM_001042492.3(NF1):c.6892dup (p.Leu2298fs)

Gene: NF1 (neurofibromin 1; plus strand). Cytogenetic location: 17q11.2.
Variant type: Duplication.
Coding change: c.6892dup on transcript NM_001042492.3 (MANE Select); coding-DNA position 6892, one base duplicated (C; older notation c.6892dupC).
Protein change: p.Leu2298fs; shifts the reading frame from leucine 2298.
Molecular consequence: frameshift variant.
Genome position (GRCh38, 1-based): chr17:31,338,776, C duplicated. VCF-style (leftmost placement, unchanged base first): chr17-31338775-A-AC. GRCh37 (hg19) VCF-style: chr17-29665793-A-AC.
Other names: c.6829dup, p.Leu2277Profs (NM_000267.4); short protein forms L2298fs, L2277fs.
Identifiers: ClinVar variation 851532 (VCV000851532.7), dbSNP rs2069745140, ClinGen allele CA916080689.